The following is an entry in ClinVar:

NM_004006.3(DMD):c.9802C>T (p.Gln3268Ter)

Gene: DMD (dystrophin; minus strand). Cytogenetic location: Xp21.2.
Variant type: single nucleotide variant.
Coding change: c.9802C>T on transcript NM_004006.3 (MANE Select); coding-DNA position 9802, C replaced by T.
Protein change: p.Gln3268Ter; replaces glutamine 3268 with a stop codon.
Molecular consequence: nonsense.
Genome position (GRCh38, 1-based): chrX:31,203,966, G>A on the plus strand (C>T on the coding strand, the complement: DMD is on the minus strand). VCF-style: chrX-31203966-G-A. GRCh37 (hg19) VCF-style: chrX-31222083-G-A.
Other names: c.9778C>T, p.Gln3260Ter (NM_000109.4); c.9790C>T, p.Gln3264Ter (NM_004009.3); c.9433C>T, p.Gln3145Ter (NM_004010.3); c.5779C>T, p.Gln1927Ter (NM_004011.4); c.5770C>T, p.Gln1924Ter (NM_004012.4); c.2422C>T, p.Gln808Ter (NM_004013.3, NM_004020.4, NM_004021.3 and 2 more transcripts); c.1615C>T, p.Gln539Ter (NM_004014.3); c.598C>T, p.Gln200Ter (NM_004015.3, NM_004016.3, NM_004017.3 and 2 more transcripts); short protein forms Q1924*, Q1927*, Q200*, Q3145*, Q3260*, Q3264*, Q3268*, Q539*.
Identifiers: ClinVar variation 4854330 (VCV004854330.2).

ClinVar aggregate classification (germline): Pathogenic/Likely pathogenic. Review status: criteria provided, multiple submitters, no conflicts (2 of 4 stars). 2 submissions from 2 submitters: Pathogenic (1); Likely pathogenic (1). Last evaluated 2025-11-15.

Conditions:
Duchenne muscular dystrophy (DMD). Also called: Duchenne Muscular Dystrophy (DMD); MUSCULAR DYSTROPHY, PSEUDOHYPERTROPHIC PROGRESSIVE, DUCHENNE TYPE. Identifiers: Orphanet 98896, MedGen C0013264, MONDO:0010679, OMIM 310200.
Progressive muscular dystrophy. Identifiers: Orphanet 206644, MedGen C4551827, MONDO:0016106.

Submissions (2):

3billion
Classification: Likely pathogenic for Duchenne muscular dystrophy. Last evaluated: 2025-11-15. Review status: criteria provided, single submitter. Criteria: ACMG Guidelines, 2015. Collection method: clinical testing. Allele origin: germline. Affected: yes.
Comment: The variant is not observed in the gnomAD v4.1.0 dataset. Predicted Consequence/Location: Stop-gained (nonsense): predicted to result in a loss or disruption of normal protein function through nonsense-mediated decay (NMD) or protein truncation. Multiple pathogenic variants are reported downstream of the variant. Therefore, this variant is classified as Likely pathogenic according to the recommendation of ACMG/AMP guideline.

Myriad Genetics, Inc.
Classification: Pathogenic for Progressive muscular dystrophy. Last evaluated: 2023-08-22. Review status: criteria provided, single submitter. Criteria: Myriad Autosomal Dominant, Autosomal Recessive and X-Linked Classification Criteria (2023). Collection method: clinical testing. Allele origin: unknown.
Comment: NM_004006.2(DMD):c.9802C>T(Q3268*) is expected to be pathogenic in the context of dystrophinopathy (including Duchenne/Becker muscular dystrophy). This variant is predicted to lead to an abnormal or absent protein product due to the creation of a premature termination codon in DMD, a gene where loss-of-function variants are known to be pathogenic. Please note: this variant was assessed in the context of healthy population screening.